The following is an entry in ClinVar:

NM_012114.3(CASP14):c.719A>T (p.Tyr240Phe)

Gene: CASP14 (caspase 14; plus strand). Cytogenetic location: 19p13.12.
Variant type: single nucleotide variant.
Coding change: c.719A>T on transcript NM_012114.3 (MANE Select); coding-DNA position 719, A replaced by T.
Protein change: p.Tyr240Phe; replaces tyrosine 240 with phenylalanine.
Molecular consequence: missense variant.
Genome position (GRCh38, 1-based): chr19:15,056,079, A>T. VCF-style: chr19-15056079-A-T. GRCh37 (hg19) VCF-style: chr19-15166890-A-T.
Other names: short protein forms Y240F.
Identifiers: ClinVar variation 1677238 (VCV001677238.2), dbSNP rs141111994, ClinGen allele CA9260823.

ClinVar aggregate classification (germline): Uncertain significance. Review status: criteria provided, multiple submitters, no conflicts (2 of 4 stars). 2 submissions from 2 submitters: Uncertain significance (2). Last evaluated 2022-03-03.

Allele frequency attached by ClinVar (database versions not stated): gnomAD exomes 0.00005 and 0.00012; ExAC 0.00023; 1000 Genomes Project 0.00040; gnomAD 0.00044 and 0.00046; 1000 Genomes Project 30x 0.00047; TOPMed 0.00050; ESP Exome Variant Server 0.00054.

Submissions (2):

Women's Health and Genetics/Laboratory Corporation of America, LabCorp
Classification: Uncertain significance. Last evaluated: 2022-03-03. Review status: criteria provided, single submitter. Criteria: LabCorp Variant Classification Summary - May 2015. Collection method: clinical testing. Allele origin: germline.
Comment: Variant summary: CASP14 c.719A>T (p.Tyr240Phe) results in a conservative amino acid change in the encoded protein sequence. Three of five in-silico tools predict a benign effect of the variant on protein function. The variant allele was found at a frequency of 0.00012 in 223062 control chromosomes. This frequency is not significantly higher than expected for a pathogenic variant in CASP14 causing Lamellar Ichthyosis (0.00012 vs 0.00025), allowing no conclusion about variant significance. To our knowledge, no occurrence of c.719A>T in individuals affected with Lamellar Ichthyosis and no experimental evidence demonstrating its impact on protein function have been reported. No clinical diagnostic laboratories have submitted clinical-significance assessments for this variant to ClinVar after 2014. Based on the evidence outlined above, the variant was classified as uncertain significance.

Blueprint Genetics
Classification: Uncertain significance. Last evaluated: 2019-04-10. Review status: criteria provided, single submitter. Criteria: ACMG Guidelines, 2015. Collection method: clinical testing. Allele origin: germline.